The following is an entry in ClinVar:

NM_006302.3(MOGS):c.2471G>A (p.Gly824Asp)

Gene: MOGS (mannosyl-oligosaccharide glucosidase; minus strand). Cytogenetic location: 2p13.1.
Variant type: single nucleotide variant.
Coding change: c.2471G>A on transcript NM_006302.3 (MANE Select); coding-DNA position 2471, G replaced by A.
Protein change: p.Gly824Asp; replaces glycine 824 with aspartic acid.
Molecular consequence: missense variant.
Genome position (GRCh38, 1-based): chr2:74,461,318, C>T on the plus strand (G>A on the coding strand, the complement: MOGS is on the minus strand). VCF-style: chr2-74461318-C-T. GRCh37 (hg19) VCF-style: chr2-74688445-C-T.
Other names: c.2153G>A, p.Gly718Asp (NM_001146158.2); short protein forms G718D, G824D.
Identifiers: ClinVar variation 2174865 (VCV002174865.17), dbSNP rs376424106, ClinGen allele CA1724573.

ClinVar aggregate classification (germline): Conflicting classifications of pathogenicity. Review status: criteria provided, conflicting classifications (1 of 4 stars). 3 submissions from 3 submitters: Likely pathogenic (1); Uncertain significance (2). Last evaluated 2026-02-05.

Conditions:
MOGS-congenital disorder of glycosylation. Also called: MOGS-CDG; CDG 2B; CDG IIb; GLUCOSIDASE I DEFICIENCY. Identifiers: Orphanet 79330, MedGen C1853736, MONDO:0011629, OMIM 606056.

Allele frequency attached by ClinVar (database versions not stated): gnomAD 0.00001; gnomAD exomes 0.00001; TOPMed 0.00001; ExAC 0.00002; ESP Exome Variant Server 0.00008.
gnomAD v4.1: 15 of 1,613,998 alleles (0.00093%); highest among the groups gnomAD compares: Middle Eastern, 0.016%; no homozygotes.

Submissions (3):

Dasa
Classification: Uncertain significance. Last evaluated: 2026-02-05. Review status: criteria provided, single submitter. Criteria: DASA Assertion Criteria. Collection method: clinical testing. Allele origin: germline.
Comment: NM_006302.3(MOGS):c.2471G>A (p.Gly824Asp) is a missense variant that results in the substitution of glycine with aspartic acid. This variant has been reported in individuals with MOGS-related disorders (PMID: 33058492). Also, this variant is rare in population databases. Computational prediction algorithms are consistent with a deleterious effect. The currently available literature and clinical evidence are not sufficient to establish a definitive association between this variant and the reported condition. Therefore, this variant is classified as a variant of uncertain significance.

CeGaT Center for Human Genetics Tuebingen
Classification: Likely pathogenic. Last evaluated: 2024-09-01. Review status: criteria provided, single submitter. Criteria: CeGaT Center For Human Genetics Tuebingen Variant Classification Criteria Version 2. Collection method: clinical testing. Allele origin: germline. Affected: yes. Observed: 1 variant allele.
Comment: MOGS: PM2, PP4:Moderate, PM3:Supporting, PP3

Labcorp Genetics (formerly Invitae), Labcorp
Classification: Uncertain significance for MOGS-congenital disorder of glycosylation. Last evaluated: 2022-01-12. Review status: criteria provided, single submitter. Criteria: Invitae Variant Classification Sherloc (09022015). Collection method: clinical testing. Allele origin: germline.
Comment: This sequence change replaces glycine, which is neutral and non-polar, with aspartic acid, which is acidic and polar, at codon 824 of the MOGS protein (p.Gly824Asp). This variant is present in population databases (rs376424106, gnomAD 0.003%). This missense change has been observed in individual(s) with clinical features of congenital glycosylation disorders (PMID: 33058492). Algorithms developed to predict the effect of missense changes on protein structure and function (SIFT, PolyPhen-2, Align-GVGD) all suggest that this variant is likely to be disruptive. In summary, the available evidence is currently insufficient to determine the role of this variant in disease. Therefore, it has been classified as a Variant of Uncertain Significance.

Literature cited by the submitters: PubMed 33058492 (cited by Dasa and Labcorp Genetics (formerly Invitae), Labcorp).